The following is an entry in ClinVar:

NM_001370466.1(NOD2):c.1429G>T (p.Gly477Trp)

Gene: NOD2 (nucleotide binding oligomerization domain containing 2; plus strand). Cytogenetic location: 16q12.1.
Variant type: single nucleotide variant.
Coding change: c.1429G>T on transcript NM_001370466.1 (MANE Select); coding-DNA position 1429, G replaced by T.
Protein change: p.Gly477Trp; replaces glycine 477 with tryptophan.
Molecular consequence: missense variant. On other transcripts: non-coding transcript variant (1).
Genome position (GRCh38, 1-based): chr16:50,711,421, G>T. VCF-style: chr16-50711421-G-T. GRCh37 (hg19) VCF-style: chr16-50745332-G-T.
Other names: c.1429G>T, p.Gly477Trp (NM_001293557.2); c.1510G>T, p.Gly504Trp (NM_022162.3); short protein forms G477W, G504W.
Identifiers: ClinVar variation 2405892 (VCV002405892.5), dbSNP rs769745923, ClinGen allele CA8051557.
Genomic context (GRCh38, chr16:50,711,421, plus strand): 5'-CACCTGCCTGTCTTCTCATGGATGGTGTCCAAATGCCACCAGGAACTGTTGCTGCAGGAG[G>T]GGGGGTCCCCAAAGACCACTACAGATATGTACCTGCTGATTCTGCAGCATTTTCTGCTGC-3'
Protein context (NP_001357395.1, residues 467-487): KCHQELLLQE[Gly477Trp]GSPKTTTDMY

ClinVar aggregate classification (germline): Uncertain significance. Review status: criteria provided, multiple submitters, no conflicts (2 of 4 stars). 2 submissions from 2 submitters: Uncertain significance (2). Last evaluated 2025-07-02.

Conditions:
Inborn genetic diseases. Identifiers: MedGen C0950123, MeSH D030342.
Regional enteritis. Also called: Enteritis, Granulomatous. Identifiers: MedGen C0678202, MeSH D003424.
Blau syndrome (BLAUS). Also called: GRANULOMATOSIS, FAMILIAL JUVENILE SYSTEMIC; GRANULOMATOSIS, FAMILIAL, BLAU TYPE; GRANULOMATOUS INFLAMMATORY ARTHRITIS, DERMATITIS, AND UVEITIS, FAMILIAL; JABS SYNDROME; ARTHROCUTANEOUVEAL GRANULOMATOSIS. Identifiers: Orphanet 90340, MedGen C5201146, MONDO:0008523, OMIM 186580.

Allele frequency attached by ClinVar (database versions not stated): ExAC 0.00004; gnomAD 0.00009.

Submissions (2):

Labcorp Genetics (formerly Invitae), Labcorp
Classification: Uncertain significance for Regional enteritis; Blau syndrome. Last evaluated: 2025-07-02. Review status: criteria provided, single submitter. Criteria: Invitae Variant Classification Sherloc (09022015). Collection method: clinical testing. Allele origin: germline.
Comment: This sequence change replaces glycine, which is neutral and non-polar, with tryptophan, which is neutral and slightly polar, at codon 504 of the NOD2 protein (p.Gly504Trp). This variant is present in population databases (rs769745923, gnomAD 0.03%). This variant has not been reported in the literature in individuals affected with NOD2-related conditions. ClinVar contains an entry for this variant (Variation ID: 2405892). Invitae Evidence Modeling of protein sequence and biophysical properties (such as structural, functional, and spatial information, amino acid conservation, physicochemical variation, residue mobility, and thermodynamic stability) indicates that this missense variant is not expected to disrupt NOD2 protein function with a negative predictive value of 95%. In summary, the available evidence is currently insufficient to determine the role of this variant in disease. Therefore, it has been classified as a Variant of Uncertain Significance.

Ambry Genetics
Classification: Uncertain significance for Inborn genetic diseases. Last evaluated: 2021-08-02. Review status: criteria provided, single submitter. Criteria: Ambry Variant Classification Scheme 2023. Collection method: clinical testing. Allele origin: germline.